The following is an entry in ClinVar:

NM_001330360.2(POLA1):c.4261+4C>T

Gene: POLA1 (DNA polymerase alpha 1, catalytic subunit; plus strand). Cytogenetic location: Xp21.3.
Variant type: single nucleotide variant.
Coding change: c.4261+4C>T on transcript NM_001330360.2 (MANE Select); 4 bases into the intron after coding-DNA position 4261, C replaced by T.
Molecular consequence: intron variant.
Genome position (GRCh38, 1-based): chrX:24,930,553, C>T. VCF-style: chrX-24930553-C-T. GRCh37 (hg19) VCF-style: chrX-24948670-C-T.
Other names: c.4186+4C>T (NM_001378303.1); c.4243+4C>T (NM_016937.4).
Identifiers: ClinVar variation 1589259 (VCV001589259.10), dbSNP rs376559609, ClinGen allele CA10373711.

ClinVar aggregate classification (germline): Likely benign. Review status: criteria provided, multiple submitters, no conflicts (2 of 4 stars). 3 submissions from 3 submitters: Likely benign (3). Last evaluated 2026-07-01.

Allele frequency attached by ClinVar (database versions not stated): gnomAD exomes 0.00017; ExAC 0.00024; gnomAD 0.00048 and 0.00052; TOPMed 0.00064; ESP Exome Variant Server 0.00114.
gnomAD v4.1: 127 of 1,057,828 alleles (0.012%); highest among the groups gnomAD compares: African/African-American, 0.16%; no homozygotes.

Submissions (3):

CeGaT Center for Human Genetics Tuebingen
Classification: Likely benign. Last evaluated: 2026-07-01. Review status: criteria provided, single submitter. Criteria: CeGaT Center For Human Genetics Tuebingen Variant Classification Criteria Version 2. Collection method: clinical testing. Allele origin: germline. Affected: yes. Observed: 1 variant allele.
Comment: POLA1: BP4, BS2

Labcorp Genetics (formerly Invitae), Labcorp
Classification: Likely benign. Last evaluated: 2025-12-20. Review status: criteria provided, single submitter. Criteria: Invitae Variant Classification Sherloc (09022015). Collection method: clinical testing. Allele origin: germline.

Blueprint Genetics
Classification: Likely benign. Last evaluated: 2022-07-15. Review status: criteria provided, single submitter. Criteria: ACMG Guidelines, 2015. Collection method: clinical testing. Allele origin: germline.